The following is an entry in ClinVar:

ClinVar aggregate classification (germline): Pathogenic (1 of 4 stars; one submission).

Conditions:
Succinate-semialdehyde dehydrogenase deficiency (SSADHD). Also called: 4-HYDROXYBUTYRIC ACIDURIA; GABA METABOLIC DEFECT; SSADH DEFICIENCY; Succinic Semialdehyde Dehydrogenase Deficiency. Identifiers: Orphanet 22, MedGen C0268631, MONDO:0010083, OMIM 271980.

Allele frequency attached by ClinVar (database versions not stated): gnomAD exomes 0.00001.
gnomAD v4.1: 5 of 1,613,758 alleles (0.00031%); highest among the groups gnomAD compares: Non-Finnish European, 0.00042%; no homozygotes.

Submission:

Labcorp Genetics (formerly Invitae), Labcorp
Classification: Pathogenic for Succinate-semialdehyde dehydrogenase deficiency. Last evaluated: 2024-06-09. Review status: criteria provided, single submitter. Criteria: Invitae Variant Classification Sherloc (09022015). Collection method: clinical testing. Allele origin: germline.
Comment: This sequence change affects an acceptor splice site in intron 6 of the ALDH5A1 gene. It is expected to disrupt RNA splicing. Variants that disrupt the donor or acceptor splice site typically lead to a loss of protein function (PMID: 16199547), and loss-of-function variants in ALDH5A1 are known to be pathogenic (PMID: 14635103). This variant is not present in population databases (gnomAD no frequency). Disruption of this splice site has been observed in individual(s) with succinate semialdehyde dehydrogenase deficiency (PMID: 14635103). ClinVar contains an entry for this variant (Variation ID: 1452915). Algorithms developed to predict the effect of sequence changes on RNA splicing suggest that this variant may disrupt the consensus splice site. For these reasons, this variant has been classified as Pathogenic.

Literature cited by the submitters: PubMed 16199547; PubMed 14635103.

NM_001080.3(ALDH5A1):c.1015-1G>C

Gene: ALDH5A1 (aldehyde dehydrogenase 5 family member A1; plus strand). Cytogenetic location: 6p22.3.
Variant type: single nucleotide variant.
Coding change: c.1015-1G>C on transcript NM_001080.3 (MANE Select); the canonical splice acceptor site of the intron before coding-DNA position 1015, G replaced by C.
Molecular consequence: splice acceptor variant.
Genome position (GRCh38, 1-based): chr6:24,522,766, G>C. VCF-style: chr6-24522766-G-C. GRCh37 (hg19) VCF-style: chr6-24522994-G-C.
Other names: c.1054-1G>C (NM_170740.1); c.871-1G>C (NM_001368954.1).
Identifiers: ClinVar variation 1452915 (VCV001452915.8), dbSNP rs2127387936, ClinGen allele CA362975697.